The following is an entry in ClinVar:

ClinVar aggregate classification (germline): Uncertain significance (1 of 4 stars; one submission).

Allele frequency attached by ClinVar (database versions not stated): ExAC 0.00001; gnomAD 0.00001; gnomAD exomes 0.00001; TOPMed 0.00001.
gnomAD v4.1: 12 of 1,613,426 alleles (0.00074%); highest among the groups gnomAD compares: African/African-American, 0.004%; no homozygotes.

Submission:

Labcorp Genetics (formerly Invitae), Labcorp
Classification: Uncertain significance. Last evaluated: 2022-11-04. Review status: criteria provided, single submitter. Criteria: Invitae Variant Classification Sherloc (09022015). Collection method: clinical testing. Allele origin: germline.
Comment: In summary, the available evidence is currently insufficient to determine the role of this variant in disease. Therefore, it has been classified as a Variant of Uncertain Significance. Advanced modeling of protein sequence and biophysical properties (such as structural, functional, and spatial information, amino acid conservation, physicochemical variation, residue mobility, and thermodynamic stability) performed at Invitae indicates that this missense variant is not expected to disrupt PLXNA2 protein function. This variant has not been reported in the literature in individuals affected with PLXNA2-related conditions. The frequency data for this variant in the population databases is considered unreliable, as metrics indicate poor data quality at this position in the gnomAD database. This sequence change replaces arginine, which is basic and polar, with glutamine, which is neutral and polar, at codon 1876 of the PLXNA2 protein (p.Arg1876Gln).

NM_025179.4(PLXNA2):c.5627G>A (p.Arg1876Gln)

Gene: PLXNA2 (plexin A2; minus strand). Cytogenetic location: 1q32.2.
Variant type: single nucleotide variant.
Coding change: c.5627G>A on transcript NM_025179.4 (MANE Select); coding-DNA position 5627, G replaced by A.
Protein change: p.Arg1876Gln; replaces arginine 1876 with glutamine.
Molecular consequence: missense variant.
Genome position (GRCh38, 1-based): chr1:208,027,301, C>T on the plus strand (G>A on the coding strand, the complement: PLXNA2 is on the minus strand). VCF-style: chr1-208027301-C-T. GRCh37 (hg19) VCF-style: chr1-208200646-C-T.
Other names: short protein forms R1876Q.
Identifiers: ClinVar variation 2722071 (VCV002722071.3), dbSNP rs778714938, ClinGen allele CA1372505.
Genomic context (GRCh38, chr1:208,027,301, plus strand): 5'-TCTCAGCTCTCAATGGACATGGCATTAATGAGCTGCTCCACCTTATAAGCCAGCCGCTGC[C>T]GCCGTGCCTGCTCATCCTGCTCTAGGGCCCCGATGAGCTGAGGAGCAAAAACAAAGGCAG-3'
Protein context (NP_079455.3, residues 1866-1886): GALEQDEQAR[Arg1876Gln]QRLAYKVEQL